The following is an entry in ClinVar:

ClinVar aggregate classification (germline): Conflicting classifications of pathogenicity. Review status: criteria provided, conflicting classifications (1 of 4 stars). 2 submissions from 2 submitters: Uncertain significance (1); Likely benign (1). Last evaluated 2023-11-24.

Conditions:
Hereditary cancer-predisposing syndrome. Also called: Neoplastic Syndromes, Hereditary; Tumor predisposition; Hereditary Cancer Syndrome; Hereditary neoplastic syndrome. Identifiers: Orphanet 140162, MedGen C0027672, MeSH D009386, MONDO:0015356.

Submissions (2):

Ambry Genetics
Classification: Uncertain significance for Hereditary cancer-predisposing syndrome. Last evaluated: 2023-11-24. Review status: criteria provided, single submitter. Criteria: Ambry Variant Classification Scheme 2023. Collection method: clinical testing. Allele origin: germline.
Comment: The p.G2141R variant (also known as c.6421G>C), located in coding exon 10 of the BRCA2 gene, results from a G to C substitution at nucleotide position 6421. The glycine at codon 2141 is replaced by arginine, an amino acid with dissimilar properties. This amino acid position is not well conserved in available vertebrate species. In addition, this alteration is predicted to be tolerated by in silico analysis. Since supporting evidence is limited at this time, the clinical significance of this alteration remains unclear.

University of Washington Department of Laboratory Medicine, University of Washington
Classification: Likely benign for Hereditary cancer-predisposing syndrome. Last evaluated: 2023-03-23. Review status: criteria provided, single submitter. Criteria: Dines et al. (Genet Med. 2020). Collection method: curation. Allele origin: germline.
Comment: Missense variant in a coldspot region where missense variants are very unlikely to be pathogenic (PMID:31911673).

BRCA2 exon 11 coldspot. Reclassification based on statistical prior probability.

NM_000059.4(BRCA2):c.6421G>C (p.Gly2141Arg)

Gene: BRCA2 (BRCA2 DNA repair associated; plus strand). Cytogenetic location: 13q13.1.
Variant type: single nucleotide variant.
Coding change: c.6421G>C on transcript NM_000059.4 (MANE Select); coding-DNA position 6421, G replaced by C.
Protein change: p.Gly2141Arg; replaces glycine 2141 with arginine.
Molecular consequence: missense variant.
Genome position (GRCh38, 1-based): chr13:32,340,776, G>C. VCF-style: chr13-32340776-G-C. GRCh37 (hg19) VCF-style: chr13-32914913-G-C.
Other names: c.6421G>C, p.Gly2141Arg (NM_001406719.1, NM_001406720.1); short protein forms G2141R.
Identifiers: ClinVar variation 1753439 (VCV001753439.4), dbSNP rs907252547, ClinGen allele CA387789276.